The following is an entry in ClinVar:

ClinVar aggregate classification (germline): Likely pathogenic. Review status: criteria provided, multiple submitters, no conflicts (2 of 4 stars). 2 submissions from 2 submitters: Likely pathogenic (2). Last evaluated 2026-07-17.

Conditions:
IFT81-related disorder. Also called: IFT81-related condition.

Allele frequency attached by ClinVar (database versions not stated): gnomAD exomes below 0.00001; TOPMed below 0.00001.
gnomAD v4.1: 1 of 1,285,166 alleles (0.000078%); highest among the groups gnomAD compares: Admixed American, 0.0033%; no homozygotes.

Submissions (2):

PreventionGenetics, part of Exact Sciences
Classification: Likely pathogenic for IFT81-related condition. Last evaluated: 2026-07-17. Review status: criteria provided, single submitter. Criteria: ACMG Guidelines, 2015. Collection method: clinical testing. Allele origin: germline.
Comment: The IFT81 c.782-2A>C variant is predicted to disrupt the AG splice acceptor site and interfere with normal splicing. To our knowledge, this variant has not been reported in the literature or in a large population database, indicating this variant is rare. Variants that disrupt the consensus splice acceptor site in IFT81 are expected to be pathogenic. This variant is interpreted as likely pathogenic.

Labcorp Genetics (formerly Invitae), Labcorp
Classification: Likely pathogenic. Last evaluated: 2023-08-10. Review status: criteria provided, single submitter. Criteria: Invitae Variant Classification Sherloc (09022015). Collection method: clinical testing. Allele origin: germline.
Comment: In summary, the currently available evidence indicates that the variant is pathogenic, but additional data are needed to prove that conclusively. Therefore, this variant has been classified as Likely Pathogenic. Algorithms developed to predict the effect of sequence changes on RNA splicing suggest that this variant may disrupt the consensus splice site. ClinVar contains an entry for this variant (Variation ID: 1946137). This variant has not been reported in the literature in individuals affected with IFT81-related conditions. This variant is not present in population databases (gnomAD no frequency). This sequence change affects an acceptor splice site in intron 8 of the IFT81 gene. It is expected to disrupt RNA splicing. Variants that disrupt the donor or acceptor splice site typically lead to a loss of protein function (PMID: 16199547), and loss-of-function variants in IFT81 are known to be pathogenic (PMID: 26275418, 27666822).

Literature cited by the submitters: PubMed 16199547 (cited by Labcorp Genetics (formerly Invitae), Labcorp); PubMed 26275418 (cited by Labcorp Genetics (formerly Invitae), Labcorp); PubMed 27666822 (cited by Labcorp Genetics (formerly Invitae), Labcorp).

NM_014055.4(IFT81):c.782-2A>C

Gene: IFT81 (intraflagellar transport 81; plus strand). Cytogenetic location: 12q24.11.
Variant type: single nucleotide variant.
Coding change: c.782-2A>C on transcript NM_014055.4 (MANE Select); the canonical splice acceptor site of the intron before coding-DNA position 782, A replaced by C.
Molecular consequence: splice acceptor variant. On other transcripts: intron variant (2).
Genome position (GRCh38, 1-based): chr12:110,143,380, A>C. VCF-style: chr12-110143380-A-C. GRCh37 (hg19) VCF-style: chr12-110581185-A-C.
Other names: c.782-2A>C (NM_014055.3, NM_001143779.2, NM_031473.4 and 1 more transcripts); c.16-3573A>C (NM_001347948.2, NM_001347947.2).
Identifiers: ClinVar variation 1946137 (VCV001946137.6), dbSNP rs751150566, ClinGen allele CA6783193.